The following is an entry in ClinVar:

ClinVar aggregate classification (germline): Pathogenic. Review status: criteria provided, multiple submitters, no conflicts (2 of 4 stars). 3 submissions from 3 submitters: Pathogenic (2). 1 of the submissions does not count toward it. Last evaluated 2022-04-24.

Conditions:
Cone-rod dystrophy 13 (CORD13). Identifiers: Orphanet 1872, MedGen C2750720, MONDO:0011987, OMIM 608194.
Leber congenital amaurosis 6 (LCA6). Identifiers: Orphanet 65, MedGen C1854260, MONDO:0013446, OMIM 613826.
RPGRIP1-related disorder. Also called: RPGRIP1-related condition.

Allele frequency attached by ClinVar (database versions not stated): TOPMed below 0.00001.
gnomAD v4.1: 5 of 1,613,374 alleles (0.00031%); highest among the groups gnomAD compares: Non-Finnish European, 0.00042%; no homozygotes.

Submissions (3):

Labcorp Genetics (formerly Invitae), Labcorp
Classification: Pathogenic for Leber congenital amaurosis 6; Cone-rod dystrophy 13. Last evaluated: 2022-04-24. Review status: criteria provided, single submitter. Criteria: Invitae Variant Classification Sherloc (09022015). Collection method: clinical testing. Allele origin: germline.
Comment: This premature translational stop signal has been observed in individual(s) with Leber congenital amaurosis (PMID: 29844330). ClinVar contains an entry for this variant (Variation ID: 981641). Algorithms developed to predict the effect of sequence changes on RNA splicing suggest that this variant may disrupt the consensus splice site. For these reasons, this variant has been classified as Pathogenic. This sequence change creates a premature translational stop signal (p.Arg563*) in the RPGRIP1 gene. It is expected to result in an absent or disrupted protein product. Loss-of-function variants in RPGRIP1 are known to be pathogenic (PMID: 11528500, 23105016). This variant is not present in population databases (gnomAD no frequency).

Blueprint Genetics
Classification: Pathogenic for RPGRIP1-related disorders. Last evaluated: 2020-09-19. Review status: criteria provided, single submitter. Criteria: ACMG Guidelines, 2015. Collection method: clinical testing. Allele origin: germline. Affected: yes. Observed: 5 variant alleles.

Laboratory of Genetics in Ophthalmology, Institut Imagine
Classification: Pathogenic for Leber congenital amaurosis 6. Review status: no assertion criteria provided. Collection method: research. Allele origin: inherited. Affected: yes. Observed: 1 variant allele. Not counted in ClinVar's aggregate classification.

Literature cited by the submitters: PubMed 29844330 (cited by Labcorp Genetics (formerly Invitae), Labcorp and Laboratory of Genetics in Ophthalmology, Institut Imagine); PubMed 11528500 (cited by Labcorp Genetics (formerly Invitae), Labcorp); PubMed 23105016 (cited by Labcorp Genetics (formerly Invitae), Labcorp).

NM_020366.4(RPGRIP1):c.1687C>T (p.Arg563Ter)

Gene: RPGRIP1 (RPGR interacting protein 1; plus strand). Cytogenetic location: 14q11.2.
Variant type: single nucleotide variant.
Coding change: c.1687C>T on transcript NM_020366.4 (MANE Select); coding-DNA position 1687, C replaced by T.
Protein change: p.Arg563Ter; replaces arginine 563 with a stop codon.
Molecular consequence: nonsense.
Genome position (GRCh38, 1-based): chr14:21,321,929, C>T. VCF-style: chr14-21321929-C-T. GRCh37 (hg19) VCF-style: chr14-21790088-C-T.
Other names: c.613C>T, p.Arg205Ter (NM_001377523.1, NM_001377948.1, NM_001377949.1 and 1 more transcripts); c.115C>T, p.Arg39Ter (NM_001377951.1); short protein forms R205*, R39*, R563*.
Identifiers: ClinVar variation 981641 (VCV000981641.6), dbSNP rs776963292, ClinGen allele CA257535773.